The following is an entry in ClinVar:

ClinVar aggregate classification (germline): Uncertain significance (1 of 4 stars; one submission).

gnomAD v4.1: 11 of 152,218 alleles (0.0072%); highest among the groups gnomAD compares: South Asian, 0.021%; no homozygotes.

Submission:

Institute for Human Genetics, University Hospital Essen
Classification: Uncertain significance. Last evaluated: 2025-11-27. Review status: criteria provided, single submitter. Criteria: Submitter's publication. Collection method: clinical testing. Allele origin: inherited. Inheritance: Autosomal unknown. Affected: yes. Observed: 1 variant allele, 1 compound heterozygote.
Comment: PS4_supp, PM1_supp, PM2_supp, PM3 (criteria rationale detailed in Leitão et al. Nature Genetics 2026)

NR_199791.1(RNU2-2):n.157G>C

Genes: RNU2-2 (RNA, U2 small nuclear 2; minus strand), WDR74 (WD repeat domain 74; minus strand). Cytogenetic location: 11q12.3.
Variant type: single nucleotide variant.
Molecular consequence: non-coding transcript variant (on NR_199791.1). On other transcripts: 5 prime UTR variant (1).
Genome position: GRCh38 VCF-style: chr11-62841653-C-G. GRCh37 (hg19) VCF-style: chr11-62609125-C-G.
Other names: c.-382G>C (NM_001369451.1).
Identifiers: ClinVar variation 4540536 (VCV004540536.1).
Genomic context (GRCh38, chr11:62,841,653, plus strand): 5'-AAACAACGGTTGTTCTCTCCCCGAAGGGAGAGTGCACCGTTCCTGGAAGTACTGCAATAC[C>G]AGGTCGATGCGTGGAGTGGACGGAGCAAGCTCCTATTCCATCTCCTATTTCCAAAAATCC-3'